The following is an entry in ClinVar:

ClinVar aggregate classification (germline): Uncertain significance (1 of 4 stars; one submission).

Conditions:
Autoimmune thyroid disease, susceptibility to, 3. Identifiers: MedGen C1842444, MONDO:0011982, OMIM 608175.

Allele frequency attached by ClinVar (database versions not stated): gnomAD exomes 0.00001.
gnomAD v4.1: 10 of 1,595,000 alleles (0.00063%); highest among the groups gnomAD compares: South Asian, 0.0023%; no homozygotes.

Submission:

Genetics and Molecular Pathology, SA Pathology
Classification: Uncertain significance for Autoimmune thyroid disease, susceptibility to, 3. Last evaluated: 2020-05-14. Review status: criteria provided, single submitter. Criteria: ACMG Guidelines, 2015. Collection method: clinical testing. Allele origin: germline. Affected: yes.
Comment: The ZFAT c.3653C>T variant is a single nucleotide change from a cytosine to a thymine which is predicted to change the serine at position 1218 in the protein to leucine. The variant has not been described in the literature to date. ZFAT was originally identified as a susceptibility gene for autoimmune thyroid disease (PMID: 15294872). A recent report has identified variants in ZFAT as candidates for intellectual disability (PMID: 28940097). The variant is in dbSNP (rs1428157950) and has been reported in population databases (gnomAD 3/216812, 0 homozygotes) (PM2). The variant has not been reported in the ClinVar or HGMD disease databases. Computational predictions support a deleterious effect on the gene or gene product (PP3).

Literature cited by the submitters: PubMed 15294872; PubMed 28940097.

NM_020863.4(ZFAT):c.3653C>T (p.Ser1218Leu)

Gene: ZFAT (zinc finger and AT-hook domain containing; minus strand). Cytogenetic location: 8q24.22.
Variant type: single nucleotide variant.
Coding change: c.3653C>T on transcript NM_020863.4 (MANE Select); coding-DNA position 3653, C replaced by T.
Protein change: p.Ser1218Leu; replaces serine 1218 with leucine.
Molecular consequence: missense variant. On other transcripts: non-coding transcript variant (1).
Genome position (GRCh38, 1-based): chr8:134,478,561, G>A on the plus strand (C>T on the coding strand, the complement: ZFAT is on the minus strand). VCF-style: chr8-134478561-G-A. GRCh37 (hg19) VCF-style: chr8-135490804-G-A.
Other names: c.3617C>T, p.Ser1206Leu (NM_001029939.4, NM_001167583.3, NM_001289394.2); c.3467C>T, p.Ser1156Leu (NM_001174157.2); c.3359C>T, p.Ser1120Leu (NM_001174158.2); short protein forms S1120L, S1156L, S1206L, S1218L.
Identifiers: ClinVar variation 1698802 (VCV001698802.2), dbSNP rs1428157950, ClinGen allele CA372083150.